The following is an entry in ClinVar:

NM_001330360.2(POLA1):c.790A>G (p.Met264Val)

Gene: POLA1 (DNA polymerase alpha 1, catalytic subunit; plus strand). Cytogenetic location: Xp22.11.
Variant type: single nucleotide variant.
Coding change: c.790A>G on transcript NM_001330360.2 (MANE Select); coding-DNA position 790, A replaced by G.
Protein change: p.Met264Val; replaces methionine 264 with valine.
Molecular consequence: missense variant. On other transcripts: non-coding transcript variant (2).
Genome position (GRCh38, 1-based): chrX:24,717,373, A>G. VCF-style: chrX-24717373-A-G. GRCh37 (hg19) VCF-style: chrX-24735490-A-G.
Other names: c.790A>G, p.Met264Val (NM_001378303.1); c.772A>G, p.Met258Val (NM_016937.4); short protein forms M258V, M264V.
Identifiers: ClinVar variation 2662480 (VCV002662480.3), dbSNP rs1470801875, ClinGen allele CA412530120.

ClinVar aggregate classification (germline): Uncertain significance. Review status: criteria provided, multiple submitters, no conflicts (2 of 4 stars). 2 submissions from 2 submitters: Uncertain significance (2). Last evaluated 2025-01-18.

Allele frequency attached by ClinVar (database versions not stated): gnomAD exomes below 0.00001; TOPMed 0.00001.
gnomAD v4.1: 1 of 1,209,344 alleles (0.000083%); highest among the groups gnomAD compares: African/African-American, 0.0017%; no homozygotes.

Submissions (2):

Labcorp Genetics (formerly Invitae), Labcorp
Classification: Uncertain significance. Last evaluated: 2025-01-18. Review status: criteria provided, single submitter. Criteria: Invitae Variant Classification Sherloc (09022015). Collection method: clinical testing. Allele origin: germline.
Comment: This sequence change replaces methionine, which is neutral and non-polar, with valine, which is neutral and non-polar, at codon 258 of the POLA1 protein (p.Met258Val). This variant is present in population databases (no rsID available, gnomAD 0.008%). This variant has not been reported in the literature in individuals affected with POLA1-related conditions. ClinVar contains an entry for this variant (Variation ID: 2662480). Invitae Evidence Modeling of protein sequence and biophysical properties (such as structural, functional, and spatial information, amino acid conservation, physicochemical variation, residue mobility, and thermodynamic stability) indicates that this missense variant is not expected to disrupt POLA1 protein function with a negative predictive value of 80%. In summary, the available evidence is currently insufficient to determine the role of this variant in disease. Therefore, it has been classified as a Variant of Uncertain Significance.

GeneDx
Classification: Uncertain significance. Last evaluated: 2023-04-14. Review status: criteria provided, single submitter. Criteria: GeneDx Variant Classification Process June 2021. Collection method: clinical testing. Allele origin: germline. Affected: yes.
Comment: In silico analysis supports that this missense variant does not alter protein structure/function; Has not been previously published as pathogenic or benign to our knowledge